The following is an entry in ClinVar:

ClinVar aggregate classification (germline): Uncertain significance. Review status: criteria provided, multiple submitters, no conflicts (2 of 4 stars). 6 submissions from 5 submitters: Uncertain significance (6). Last evaluated 2025-10-08.

Conditions:
Inborn genetic diseases. Identifiers: MedGen C0950123, MeSH D030342.
Lethal Kniest-like syndrome (DDSH). Also called: Dyssegmental Dysplasia. Identifiers: Orphanet 1865, MedGen C1857100, MONDO:0009140, OMIM 224410.
Schwartz-Jampel syndrome. Also called: Myotonic myopathy dwarfism chondrodystrophy and ocular and facial abnormalities. Identifiers: Orphanet 800, MedGen C0036391, MONDO:0009717.

Allele frequency attached by ClinVar (database versions not stated): ExAC 0.00006; gnomAD 0.00007 and 0.00009; gnomAD exomes 0.00007; TOPMed 0.00007; ESP Exome Variant Server 0.00008.
gnomAD v4.1: 109 of 1,613,390 alleles (0.0068%); highest among the groups gnomAD compares: Middle Eastern, 0.016%; no homozygotes.

Submissions (6):

Labcorp Genetics (formerly Invitae), Labcorp
Classification: Uncertain significance. Last evaluated: 2025-10-08. Review status: criteria provided, single submitter. Criteria: Invitae Variant Classification Sherloc (09022015). Collection method: clinical testing. Allele origin: germline.
Comment: This sequence change replaces glutamic acid, which is acidic and polar, with lysine, which is basic and polar, at codon 2318 of the HSPG2 protein (p.Glu2318Lys). This variant is present in population databases (rs372259670, gnomAD 0.02%). This variant has not been reported in the literature in individuals affected with HSPG2-related conditions. ClinVar contains an entry for this variant (Variation ID: 295803). An algorithm developed to predict the effect of missense changes on protein structure and function (PolyPhen-2) suggests that this variant is likely to be tolerated. In summary, the available evidence is currently insufficient to determine the role of this variant in disease. Therefore, it has been classified as a Variant of Uncertain Significance.

Blueprint Genetics
Classification: Uncertain significance. Last evaluated: 2024-09-06. Review status: criteria provided, single submitter. Criteria: ACMG Guidelines, 2015. Collection method: clinical testing. Allele origin: germline.

Ambry Genetics
Classification: Uncertain significance for Inborn genetic diseases. Last evaluated: 2024-03-31. Review status: criteria provided, single submitter. Criteria: Ambry Variant Classification Scheme 2023. Collection method: clinical testing. Allele origin: germline.

Revvity Omics, Revvity
Classification: Uncertain significance. Last evaluated: 2019-03-01. Review status: criteria provided, single submitter. Criteria: ACMG Guidelines, 2015. Collection method: clinical testing. Allele origin: germline.

Illumina Laboratory Services, Illumina
Classification: Uncertain significance for Lethal Kniest-like syndrome. Last evaluated: 2018-01-12. Review status: criteria provided, single submitter. Criteria: ICSL Variant Classification Criteria 13 December 2019. Collection method: clinical testing. Allele origin: germline.

Illumina Laboratory Services, Illumina
Classification: Uncertain significance for Schwartz-Jampel syndrome type 1. Last evaluated: 2018-01-12. Review status: criteria provided, single submitter. Criteria: ICSL Variant Classification Criteria 13 December 2019. Collection method: clinical testing. Allele origin: germline.

NM_005529.7(HSPG2):c.6952G>A (p.Glu2318Lys)

Gene: HSPG2 (heparan sulfate proteoglycan 2; minus strand). Cytogenetic location: 1p36.12.
Variant type: single nucleotide variant.
Coding change: c.6952G>A on transcript NM_005529.7 (MANE Select); coding-DNA position 6952, G replaced by A.
Protein change: p.Glu2318Lys; replaces glutamic acid 2318 with lysine.
Molecular consequence: missense variant.
Genome position (GRCh38, 1-based): chr1:21,851,845, C>T on the plus strand (G>A on the coding strand, the complement: HSPG2 is on the minus strand). VCF-style: chr1-21851845-C-T. GRCh37 (hg19) VCF-style: chr1-22178338-C-T.
Other names: c.6955G>A, p.Glu2319Lys (NM_001291860.2); short protein forms E2318K, E2319K.
Identifiers: ClinVar variation 295803 (VCV000295803.13), dbSNP rs372259670, ClinGen allele CA671366.
Genomic context (GRCh38, chr1:21,851,845, plus strand): 5'-ACTCACGGTAGGCTAAGTTGGCCCCCTGGGTCCCAGTTACTGTGACCGTGATGGAGGCCT[C>T]CATGCCGTTGCTGGCCCGGCAGACGTACTGTCCCGCATCGGCAGGTGAGGCCTGGAAGAT-3'
Protein context (NP_005520.4, residues 2308-2328): QYVCRASNGM[Glu2318Lys]ASITVTVTGT